The following is an entry in ClinVar:

NM_006904.7(PRKDC):c.1498-3C>A

Gene: PRKDC (protein kinase, DNA-activated, catalytic subunit; minus strand). Cytogenetic location: 8q11.21.
Variant type: single nucleotide variant.
Coding change: c.1498-3C>A on transcript NM_006904.7 (MANE Select); 3 bases into the intron before coding-DNA position 1498, C replaced by A.
Molecular consequence: intron variant.
Genome position (GRCh38, 1-based): chr8:47,934,093, G>T on the plus strand (C>A on the coding strand, the complement: PRKDC is on the minus strand). VCF-style: chr8-47934093-G-T. GRCh37 (hg19) VCF-style: chr8-48846653-G-T.
Other names: c.1498-3C>A (NM_001081640.2).
Identifiers: ClinVar variation 4697326 (VCV004697326.1).
Genomic context (GRCh38, chr8:47,934,093, plus strand): 5'-ATTTGCCAGTTCTGACTTCCCCTGAAGCACGGTGGTCTTCAGATTCAGACTCAGGGCCCT[G>T]GCCAGAAAGACAGCATGACAATATGTAGTGATGGATTCTCAGAAGCAGCACTGCTGCCAG-3'

ClinVar aggregate classification (germline): Uncertain significance (1 of 4 stars; one submission).

Conditions:
Severe combined immunodeficiency due to DNA-PKcs deficiency. Also called: IMMUNODEFICIENCY 26 WITH NEUROLOGIC ABNORMALITIES; Immunodeficiency 26 with or without neurologic abnormalities. Identifiers: Orphanet 317425, MedGen C4014833, MONDO:0014423, OMIM 615966.

gnomAD v4.1: 67 of 1,611,124 alleles (0.0042%); highest among the groups gnomAD compares: Non-Finnish European, 0.0056%; no homozygotes.

Submission:

Labcorp Genetics (formerly Invitae), Labcorp
Classification: Uncertain significance for Severe combined immunodeficiency due to DNA-PKcs deficiency. Last evaluated: 2025-10-24. Review status: criteria provided, single submitter. Criteria: Invitae Variant Classification Sherloc (09022015). Collection method: clinical testing. Allele origin: germline.
Comment: This sequence change falls in intron 14 of the PRKDC gene. It does not directly change the encoded amino acid sequence of the PRKDC protein. It affects a nucleotide within the consensus splice site. This variant is present in population databases (rs368206726, gnomAD 0.004%). This variant has not been reported in the literature in individuals affected with PRKDC-related conditions. Variants that disrupt the consensus splice site are a relatively common cause of aberrant splicing (PMID: 17576681, 9536098). Algorithms developed to predict the effect of sequence changes on RNA splicing suggest that this variant may disrupt the consensus splice site. In summary, the available evidence is currently insufficient to determine the role of this variant in disease. Therefore, it has been classified as a Variant of Uncertain Significance.

Literature cited by the submitters: PubMed 17576681; PubMed 9536098.